The following is an entry in ClinVar:

NM_148919.4(PSMB8):c.515T>C (p.Met172Thr)

Gene: PSMB8 (proteasome 20S subunit beta 8; minus strand). Cytogenetic location: 6p21.32.
Variant type: single nucleotide variant.
Coding change: c.515T>C on transcript NM_148919.4 (MANE Select); coding-DNA position 515, T replaced by C.
Protein change: p.Met172Thr; replaces methionine 172 with threonine.
Molecular consequence: missense variant.
Genome position (GRCh38, 1-based): chr6:32,842,156, A>G on the plus strand (T>C on the coding strand, the complement: PSMB8 is on the minus strand). VCF-style: chr6-32842156-A-G. GRCh37 (hg19) VCF-style: chr6-32809933-A-G.
Other names: c.503T>C, p.Met168Thr (LRG_1328t2, NM_004159.5); c.515T>C, p.Met172Thr (LRG_1328t1); short protein forms M168T, M172T.
Identifiers: ClinVar variation 650601 (VCV000650601.9), dbSNP rs756049842, ClinGen allele CA3746361.

ClinVar aggregate classification (germline): Uncertain significance (1 of 4 stars; one submission).

Conditions:
Proteosome-associated autoinflammatory syndrome. Also called: Proteasome-associated autoinflammatory syndrome. Identifiers: Orphanet 324977, MedGen C1850568, MONDO:0009726.

Allele frequency attached by ClinVar (database versions not stated): ExAC 0.00001; gnomAD 0.00001; gnomAD exomes below 0.00001 and 0.00001; TOPMed 0.00002.

Submission:

Labcorp Genetics (formerly Invitae), Labcorp
Classification: Uncertain significance for Proteosome-associated autoinflammatory syndrome. Last evaluated: 2018-07-19. Review status: criteria provided, single submitter. Criteria: Invitae Variant Classification Sherloc (09022015). Collection method: clinical testing. Allele origin: germline.
Comment: In summary, the available evidence is currently insufficient to determine the role of this variant in disease. Therefore, it has been classified as a Variant of Uncertain Significance. Algorithms developed to predict the effect of missense changes on protein structure and function are either unavailable or do not agree on the potential impact of this missense change (SIFT: "Tolerated"; PolyPhen-2: "Probably Damaging"; Align-GVGD: "Class C0"). This variant has not been reported in the literature in individuals with PSMB8-related disease. This variant is present in population databases (rs756049842, ExAC 0.002%). This sequence change replaces methionine with threonine at codon 172 of the PSMB8 protein (p.Met172Thr). The methionine residue is highly conserved and there is a moderate physicochemical difference between methionine and threonine.